The following is an entry in ClinVar:

ClinVar aggregate classification (germline): Uncertain significance (1 of 4 stars; one submission).

Conditions:
Inborn genetic diseases. Identifiers: MedGen C0950123, MeSH D030342.

gnomAD v4.1: 5 of 1,613,830 alleles (0.00031%); highest among the groups gnomAD compares: Non-Finnish European, 0.00042%; no homozygotes.

Submission:

Ambry Genetics
Classification: Uncertain significance for Inborn genetic diseases. Last evaluated: 2024-12-08. Review status: criteria provided, single submitter. Criteria: Ambry Variant Classification Scheme 2023. Collection method: clinical testing. Allele origin: germline.
Comment: The p.S1251G variant (also known as c.3751A>G), located in coding exon 1 of the SAMD9L gene, results from an A to G substitution at nucleotide position 3751. The serine at codon 1251 is replaced by glycine, an amino acid with similar properties. This amino acid position is conserved. In addition, this alteration is predicted to be tolerated by in silico analysis. Based on the available evidence, the clinical significance of this variant remains unclear.

NM_152703.5(SAMD9L):c.3751A>G (p.Ser1251Gly)

Gene: SAMD9L (sterile alpha motif domain containing 9 like; minus strand). Cytogenetic location: 7q21.2.
Variant type: single nucleotide variant.
Coding change: c.3751A>G on transcript NM_152703.5 (MANE Select); coding-DNA position 3751, A replaced by G.
Protein change: p.Ser1251Gly; replaces serine 1251 with glycine.
Molecular consequence: missense variant.
Genome position (GRCh38, 1-based): chr7:93,132,221, T>C on the plus strand (A>G on the coding strand, the complement: SAMD9L is on the minus strand). VCF-style: chr7-93132221-T-C. GRCh37 (hg19) VCF-style: chr7-92761534-T-C.
Other names: c.3751A>G, p.Ser1251Gly (NM_001303496.3, NM_001303497.3, NM_001303498.3 and 5 more transcripts); short protein forms S1251G.
Identifiers: ClinVar variation 3437236 (VCV003437236.1).